The following is an entry in ClinVar:

ClinVar aggregate classification (germline): Uncertain significance. Review status: criteria provided, multiple submitters, no conflicts (2 of 4 stars). 2 submissions from 2 submitters: Uncertain significance (2). Last evaluated 2024-06-28.

Conditions:
Hereditary cancer-predisposing syndrome. Also called: Hereditary neoplastic syndrome; Neoplastic Syndromes, Hereditary; Hereditary Cancer Syndrome; Tumor predisposition. Identifiers: Orphanet 140162, MedGen C0027672, MeSH D009386, MONDO:0015356.

Allele frequency attached by ClinVar (database versions not stated): gnomAD exomes below 0.00001.
gnomAD v4.1: 2 of 1,614,120 alleles (0.00012%); highest among the groups gnomAD compares: Non-Finnish European, 0.000085%; no homozygotes.

Submissions (2):

Ambry Genetics
Classification: Uncertain significance for Hereditary cancer-predisposing syndrome. Last evaluated: 2024-06-28. Review status: criteria provided, single submitter. Criteria: Ambry Variant Classification Scheme 2023. Collection method: clinical testing. Allele origin: germline.
Comment: The p.D769N variant (also known as c.2305G>A), located in coding exon 16 of the CTNNA1 gene, results from a G to A substitution at nucleotide position 2305. The aspartic acid at codon 769 is replaced by asparagine, an amino acid with highly similar properties. This amino acid position is highly conserved in available vertebrate species. In addition, this alteration is predicted to be tolerated by in silico analysis. The evidence for this gene-disease relationship is limited; therefore, the clinical significance of this alteration is unclear.

Labcorp Genetics (formerly Invitae), Labcorp
Classification: Uncertain significance. Last evaluated: 2024-04-25. Review status: criteria provided, single submitter. Criteria: Invitae Variant Classification Sherloc (09022015). Collection method: clinical testing. Allele origin: germline.
Comment: This sequence change replaces aspartic acid, which is acidic and polar, with asparagine, which is neutral and polar, at codon 769 of the CTNNA1 protein (p.Asp769Asn). This variant is not present in population databases (gnomAD no frequency). This variant has not been reported in the literature in individuals affected with CTNNA1-related conditions. ClinVar contains an entry for this variant (Variation ID: 1485086). An algorithm developed to predict the effect of missense changes on protein structure and function (PolyPhen-2) suggests that this variant is likely to be disruptive. In summary, the available evidence is currently insufficient to determine the role of this variant in disease. Therefore, it has been classified as a Variant of Uncertain Significance.

NM_001903.5(CTNNA1):c.2305G>A (p.Asp769Asn)

Gene: CTNNA1 (catenin alpha 1; plus strand). Cytogenetic location: 5q31.2.
Variant type: single nucleotide variant.
Coding change: c.2305G>A on transcript NM_001903.5 (MANE Select); coding-DNA position 2305, G replaced by A.
Protein change: p.Asp769Asn; replaces aspartic acid 769 with asparagine.
Molecular consequence: missense variant. On other transcripts: intron variant (1).
Genome position (GRCh38, 1-based): chr5:138,932,584, G>A. VCF-style: chr5-138932584-G-A. GRCh37 (hg19) VCF-style: chr5-138268273-G-A.
Other names: c.2305G>A, p.Asp769Asn (NM_001290307.3, NM_001323982.2, NM_001323983.1 and 2 more transcripts); c.1996G>A, p.Asp666Asn (NM_001290309.3); c.1936G>A, p.Asp646Asn (NM_001290310.3); c.1195G>A, p.Asp399Asn (NM_001290312.1, NM_001323987.1, NM_001323988.1 and 16 more transcripts); c.2212G>A, p.Asp738Asn (NM_001323986.2); c.856G>A, p.Asp286Asn (NM_001324006.1, NM_001324007.1, NM_001324008.1 and 2 more transcripts); c.1102G>A, p.Asp368Asn (NM_001324011.1); c.952G>A, p.Asp318Asn (NM_001324012.1, NM_001324013.1); and 1 more; short protein forms D286N, D368N, D646N, D769N, D318N, D399N, D738N, D666N.
Identifiers: ClinVar variation 1485086 (VCV001485086.9), dbSNP rs1561779762, ClinGen allele CA361134280.